The following is an entry in ClinVar:

NC_012920.1(MT-TT):m.15921T>C

Gene: MT-TT (mitochondrially encoded tRNA threonine; plus strand).
Variant type: single nucleotide variant.
Genome position: chrM-15921-T-C.
Identifiers: ClinVar variation 690235 (VCV000690235.1), dbSNP rs1603225593, ClinGen allele CA913175209.

ClinVar aggregate classification (germline): Uncertain significance (1 of 4 stars; one submission).

Conditions:
MELAS syndrome (MELAS). Also called: Juvenile myopathy, encephalopathy, lactic acidosis, stroke. Identifiers: Orphanet 550, MedGen C0162671, MONDO:0010789, OMIM 540000.

Submission:

Wong Mito Lab, Molecular and Human Genetics, Baylor College of Medicine
Classification: Uncertain significance for MELAS syndrome. Last evaluated: 2019-07-12. Review status: criteria provided, single submitter. Criteria: Modified ACMG Guidelines (Unpublished). Collection method: clinical testing. Allele origin: germline.
Comment: The NC_012920.1:m.15921T>C variant in MT-TT gene is interpreted to be a Unknown Significance variant based on the modified ACMG guidelines (unpublished). This variant meets the following evidence codes reported in the guidelines: PM1, BP4

Literature cited by the submitters: PubMed 31965079.